The following is an entry in ClinVar:

ClinVar aggregate classification (germline): Uncertain significance (1 of 4 stars; one submission).

Allele frequency attached by ClinVar (database versions not stated): gnomAD exomes below 0.00001 and 0.00001; TOPMed below 0.00001; gnomAD 0.00001.
gnomAD v4.1: 16 of 1,613,224 alleles (0.00099%); highest among the groups gnomAD compares: African/African-American, 0.0027%; no homozygotes.

Submission:

Labcorp Genetics (formerly Invitae), Labcorp
Classification: Uncertain significance. Last evaluated: 2021-11-29. Review status: criteria provided, single submitter. Criteria: Invitae Variant Classification Sherloc (09022015). Collection method: clinical testing. Allele origin: germline.
Comment: This sequence change replaces aspartic acid, which is acidic and polar, with asparagine, which is neutral and polar, at codon 1822 of the SBF1 protein (p.Asp1822Asn). This variant is present in population databases (no rsID available, gnomAD 0.0009%). This variant has not been reported in the literature in individuals affected with SBF1-related conditions. Algorithms developed to predict the effect of missense changes on protein structure and function are either unavailable or do not agree on the potential impact of this missense change (SIFT: "Deleterious"; PolyPhen-2: "Possibly Damaging"; Align-GVGD: "Class C0"). In summary, the available evidence is currently insufficient to determine the role of this variant in disease. Therefore, it has been classified as a Variant of Uncertain Significance.

NM_002972.4(SBF1):c.5464G>A (p.Asp1822Asn)

Gene: SBF1 (SET binding factor 1; minus strand). Cytogenetic location: 22q13.33.
Variant type: single nucleotide variant.
Coding change: c.5464G>A on transcript NM_002972.4 (MANE Select); coding-DNA position 5464, G replaced by A.
Protein change: p.Asp1822Asn; replaces aspartic acid 1822 with asparagine.
Molecular consequence: missense variant.
Genome position (GRCh38, 1-based): chr22:50,447,441, C>T on the plus strand (G>A on the coding strand, the complement: SBF1 is on the minus strand). VCF-style: chr22-50447441-C-T. GRCh37 (hg19) VCF-style: chr22-50885870-C-T.
Other names: c.5389G>A, p.Asp1797Asn (NM_001365819.1); short protein forms D1797N, D1822N.
Identifiers: ClinVar variation 1502860 (VCV001502860.3), dbSNP rs1052849995, ClinGen allele CA325524277.